The following is an entry in ClinVar:

NM_002691.4(POLD1):c.1270G>T (p.Val424Leu)

Gene: POLD1 (DNA polymerase delta 1, catalytic subunit; plus strand). Cytogenetic location: 19q13.33.
Variant type: single nucleotide variant.
Coding change: c.1270G>T on transcript NM_002691.4 (MANE Select); coding-DNA position 1270, G replaced by T.
Protein change: p.Val424Leu; replaces valine 424 with leucine.
Molecular consequence: missense variant. On other transcripts: non-coding transcript variant (1).
Genome position (GRCh38, 1-based): chr19:50,406,209, G>T. VCF-style: chr19-50406209-G-T. GRCh37 (hg19) VCF-style: chr19-50909466-G-T.
Other names: c.1270G>T, p.Val424Leu (NM_001256849.1, NM_001308632.1); short protein forms V424L.
Identifiers: ClinVar variation 486079 (VCV000486079.15), dbSNP rs1315928771, ClinGen allele CA406979766.

ClinVar aggregate classification (germline): Uncertain significance. Review status: criteria provided, multiple submitters, no conflicts (2 of 4 stars). 2 submissions from 2 submitters: Uncertain significance (2). Last evaluated 2023-12-19.

Conditions:
Hereditary cancer-predisposing syndrome. Also called: Tumor predisposition; Hereditary Cancer Syndrome; Hereditary neoplastic syndrome; Neoplastic Syndromes, Hereditary. Identifiers: Orphanet 140162, MedGen C0027672, MeSH D009386, MONDO:0015356.
POLD1-related polyposis and colorectal cancer syndrome (CRCS10). Also called: Colorectal cancer 10; COLORECTAL CANCER, SUSCEPTIBILITY TO, ON CHROMOSOME 19q; Colorectal cancer, susceptibility to, 10. Identifiers: Orphanet 220460, MedGen C2675481, MONDO:0012953, OMIM 612591.

Submissions (2):

Ambry Genetics
Classification: Uncertain significance for Hereditary cancer-predisposing syndrome. Last evaluated: 2023-12-19. Review status: criteria provided, single submitter. Criteria: Ambry Variant Classification Scheme 2023. Collection method: clinical testing. Allele origin: germline.
Comment: The p.V424L variant (also known as c.1270G>T), located in coding exon 10 of the POLD1 gene, results from a G to T substitution at nucleotide position 1270. The valine at codon 424 is replaced by leucine, an amino acid with highly similar properties. This variant was not reported in population based cohorts in the following databases: Database of Single Nucleotide Polymorphisms (dbSNP), NHLBI Exome Sequencing Project (ESP), and 1000 Genomes Project. In the ESP, this variant was not observed in 6503 samples (13006 alleles) with coverage at this position. To date, this alteration has been detected with an allele frequency of approximately 0.001% (greater than 80000 alleles tested) in our clinical cohort. This amino acid position is well conserved in available vertebrate species. In addition, this alteration is predicted to be tolerated by in silico analysis. Since supporting evidence is limited at this time, the clinical significance of this alteration remains unclear.

Labcorp Genetics (formerly Invitae), Labcorp
Classification: Uncertain significance for POLD1-related polyposis and colorectal cancer syndrome. Last evaluated: 2019-03-13. Review status: criteria provided, single submitter. Criteria: Invitae Variant Classification Sherloc (09022015). Collection method: clinical testing. Allele origin: germline.
Comment: Algorithms developed to predict the effect of missense changes on protein structure and function (SIFT, PolyPhen-2, Align-GVGD) all suggest that this variant is likely to be tolerated, but these predictions have not been confirmed by published functional studies and their clinical significance is uncertain. This variant has not been reported in the literature in individuals with POLD1-related conditions. ClinVar contains an entry for this variant (Variation ID: 486079). This variant is not present in population databases (ExAC no frequency). This sequence change replaces valine with leucine at codon 424 of the POLD1 protein (p.Val424Leu). The valine residue is moderately conserved and there is a small physicochemical difference between valine and leucine. In summary, the available evidence is currently insufficient to determine the role of this variant in disease. Therefore, it has been classified as a Variant of Uncertain Significance.